The following is an entry in ClinVar:

NM_017654.4(SAMD9):c.3381C>A (p.Tyr1127Ter)

Gene: SAMD9 (sterile alpha motif domain containing 9; minus strand). Cytogenetic location: 7q21.2.
Variant type: single nucleotide variant.
Coding change: c.3381C>A on transcript NM_017654.4 (MANE Select); coding-DNA position 3381, C replaced by A.
Protein change: p.Tyr1127Ter; replaces tyrosine 1127 with a stop codon.
Molecular consequence: nonsense.
Genome position (GRCh38, 1-based): chr7:93,102,717, G>T on the plus strand (C>A on the coding strand, the complement: SAMD9 is on the minus strand). VCF-style: chr7-93102717-G-T. GRCh37 (hg19) VCF-style: chr7-92732030-G-T.
Other names: c.3381C>A, p.Tyr1127Ter (NM_001193307.2); short protein forms Y1127*.
Identifiers: ClinVar variation 552976 (VCV000552976.55), dbSNP rs572380130, ClinGen allele CA4342708.

ClinVar aggregate classification (germline): Conflicting classifications of pathogenicity. Review status: criteria provided, conflicting classifications (1 of 4 stars). 6 submissions from 6 submitters: Pathogenic (1); Uncertain significance (4). 1 of the submissions does not count toward it. Last evaluated 2025-03-17.

Conditions:
Normophosphatemic familial tumoral calcinosis. Also called: CALCINOSIS, TUMORAL, WITH NORMOPHOSPHATEMIA. Identifiers: Orphanet 306658, Orphanet 53715, MedGen C1864861, MONDO:0012502, OMIM 610455.

Allele frequency attached by ClinVar (database versions not stated): gnomAD exomes 0.00002; gnomAD 0.00003; ExAC 0.00004; 1000 Genomes Project 30x 0.00016; 1000 Genomes Project 0.00020.
gnomAD v4.1: 41 of 1,613,742 alleles (0.0025%); highest among the groups gnomAD compares: South Asian, 0.0099%; no homozygotes.

Submissions (6):

Labcorp Genetics (formerly Invitae), Labcorp
Classification: Uncertain significance. Last evaluated: 2025-03-17. Review status: criteria provided, single submitter. Criteria: Invitae Variant Classification Sherloc (09022015). Collection method: clinical testing. Allele origin: germline.
Comment: This sequence change creates a premature translational stop signal (p.Tyr1127*) in the SAMD9 gene. While this is not anticipated to result in nonsense mediated decay, it is expected to disrupt the last 463 amino acid(s) of the SAMD9 protein. This variant is present in population databases (rs572380130, gnomAD 0.01%). This variant has not been reported in the literature in individuals affected with SAMD9-related conditions. ClinVar contains an entry for this variant (Variation ID: 552976). In summary, the available evidence is currently insufficient to determine the role of this variant in disease. Therefore, it has been classified as a Variant of Uncertain Significance.

Blueprint Genetics
Classification: Uncertain significance. Last evaluated: 2021-12-24. Review status: criteria provided, single submitter. Criteria: ACMG Guidelines, 2015. Collection method: clinical testing. Allele origin: germline.

CeGaT Center for Human Genetics Tuebingen
Classification: Uncertain significance. Last evaluated: 2020-01-01. Review status: criteria provided, single submitter. Criteria: CeGaT Center For Human Genetics Tuebingen Variant Classification Criteria Version 2. Collection method: clinical testing. Allele origin: germline. Affected: yes. Observed: 1 variant allele.

Genomic Research Center, Shahid Beheshti University of Medical Sciences
Classification: Pathogenic. Last evaluated: 2019-01-01. Review status: criteria provided, single submitter. Criteria: ACMG Guidelines, 2015. Collection method: research. Allele origin: unknown. Affected: no. Observed: 1 variant allele.

Genetic Services Laboratory, University of Chicago
Classification: Uncertain significance. Last evaluated: 2018-10-02. Review status: criteria provided, single submitter. Criteria: ACMG Guidelines, 2015. Collection method: clinical testing. Allele origin: germline. Affected: no.

Counsyl
Classification: Uncertain significance for Normophosphatemic familial tumoral calcinosis. Last evaluated: 2017-08-03. Review status: no assertion criteria provided. Collection method: clinical testing. Allele origin: unknown. Not counted in ClinVar's aggregate classification.